The following is an entry in ClinVar:

NM_000166.6(GJB1):c.391C>G (p.Leu131Val)

Gene: GJB1 (gap junction protein beta 1; plus strand). Cytogenetic location: Xq13.1.
Variant type: single nucleotide variant.
Coding change: c.391C>G on transcript NM_000166.6 (MANE Select); coding-DNA position 391, C replaced by G.
Protein change: p.Leu131Val; replaces leucine 131 with valine.
Molecular consequence: missense variant.
Genome position (GRCh38, 1-based): chrX:71,224,098, C>G. VCF-style: chrX-71224098-C-G. GRCh37 (hg19) VCF-style: chrX-70443948-C-G.
Other names: c.391C>G, p.Leu131Val (NM_001097642.3); short protein forms L131V.
Identifiers: ClinVar variation 1419775 (VCV001419775.8), dbSNP rs2147946023, ClinGen allele CA413502138.
Genomic context (GRCh38, chrX:71,224,098, plus strand): 5'-CATGGGGACCCCCTACACCTGGAGGAGGTGAAGAGGCACAAGGTCCACATCTCAGGGACA[C>G]TGTGGTGGACCTATGTCATCAGCGTGGTGTTCCGGCTGTTGTTTGAGGCCGTCTTCATGT-3'
Protein context (NP_000157.1, residues 121-141): KRHKVHISGT[Leu131Val]WWTYVISVVF

ClinVar aggregate classification (germline): Uncertain significance (1 of 4 stars; one submission).

Conditions:
Charcot-Marie-Tooth Neuropathy X. Identifiers: MedGen CN118851.

Submission:

Labcorp Genetics (formerly Invitae), Labcorp
Classification: Uncertain significance for Charcot-Marie-Tooth Neuropathy X. Last evaluated: 2022-07-05. Review status: criteria provided, single submitter. Criteria: Invitae Variant Classification Sherloc (09022015). Collection method: clinical testing. Allele origin: germline.
Comment: Algorithms developed to predict the effect of missense changes on protein structure and function (SIFT, PolyPhen-2, Align-GVGD) all suggest that this variant is likely to be disruptive. ClinVar contains an entry for this variant (Variation ID: 1419775). This variant has not been reported in the literature in individuals affected with GJB1-related conditions. This variant is not present in population databases (gnomAD no frequency). This sequence change replaces leucine, which is neutral and non-polar, with valine, which is neutral and non-polar, at codon 131 of the GJB1 protein (p.Leu131Val). In summary, the available evidence is currently insufficient to determine the role of this variant in disease. Therefore, it has been classified as a Variant of Uncertain Significance. This variant disrupts the p.Leu131 amino acid residue in GJB1. Other variant(s) that disrupt this residue have been determined to be pathogenic (PMID: 9818870, 12362307). This suggests that this residue is clinically significant, and that variants that disrupt this residue are likely to be disease-causing.

Literature cited by the submitters: PubMed 9818870; PubMed 12362307.